The following is an entry in ClinVar:

NM_000059.4(BRCA2):c.7886G>A (p.Trp2629Ter)

Gene: BRCA2 (BRCA2 DNA repair associated; plus strand). Cytogenetic location: 13q13.1.
Variant type: single nucleotide variant.
Coding change: c.7886G>A on transcript NM_000059.4 (MANE Select); coding-DNA position 7886, G replaced by A.
Protein change: p.Trp2629Ter; replaces tryptophan 2629 with a stop codon.
Molecular consequence: nonsense.
Genome position (GRCh38, 1-based): chr13:32,362,603, G>A. VCF-style: chr13-32362603-G-A. GRCh37 (hg19) VCF-style: chr13-32936740-G-A.
Other names: short protein forms W2629*.
Identifiers: ClinVar variation 52432 (VCV000052432.17), dbSNP rs80359015, ClinGen allele CA025323.

ClinVar aggregate classification (germline): Pathogenic. Review status: reviewed by expert panel (3 of 4 stars). 8 submissions from 8 submitters: Pathogenic (1). 7 of the submissions do not count toward it. Last evaluated 2016-09-08.

Conditions:
Hereditary breast ovarian cancer syndrome. Also called: Hereditary breast and ovarian cancer syndrome; Hereditary breast and ovarian cancer; Hereditary breast and ovarian cancer syndrome (HBOC); Breast and ovarian cancer; Hereditary breast and/or ovarian cancer syndrome; BRCA1- and BRCA2-Associated Hereditary Breast and Ovarian Cancer. Identifiers: Orphanet 145, MedGen C0677776, MeSH D061325, MONDO:0003582. Disease mechanism: loss of function.
Hereditary cancer-predisposing syndrome. Also called: Neoplastic Syndromes, Hereditary; Tumor predisposition; Hereditary neoplastic syndrome; Hereditary Cancer Syndrome. Identifiers: Orphanet 140162, MedGen C0027672, MeSH D009386, MONDO:0015356.
BRCA2-related cancer predisposition. Identifiers: MedGen CN377758, MONDO:0700269.
Breast-ovarian cancer, familial, susceptibility to, 2 (BROVCA2). Also called: BRCA2 Hereditary Breast and Ovarian Cancer. Identifiers: Orphanet 145, MedGen C2675520, MONDO:0012933, OMIM 612555. Disease mechanism: loss of function.

gnomAD v4.1: 1 of 1,614,160 alleles (0.000062%); no homozygotes.

Submissions (8):

Evidence-based Network for the Interpretation of Germline Mutant Alleles (ENIGMA)
Classification: Pathogenic for Breast-ovarian cancer, familial, susceptibility to, 2. Last evaluated: 2016-09-08. Review status: reviewed by expert panel. Criteria: ENIGMA BRCA1/2 Classification Criteria (2015). Collection method: curation. Allele origin: germline.
Comment: Variant allele predicted to encode a truncated non-functional protein.

Ambry Genetics
Classification: Pathogenic for Hereditary cancer-predisposing syndrome. Last evaluated: 2025-07-22. Review status: criteria provided, single submitter. Criteria: Ambry Variant Classification Scheme 2023. Collection method: clinical testing. Allele origin: germline. Not counted in ClinVar's aggregate classification.
Comment: The p.W2629* pathogenic mutation (also known as c.7886G>A), located in coding exon 16 of the BRCA2 gene, results from a G to A substitution at nucleotide position 7886. This changes the amino acid from a tryptophan to a stop codon within coding exon 16. This variant is considered to be rare based on population cohorts in the Genome Aggregation Database (gnomAD). This alteration is expected to result in loss of function by premature protein truncation or nonsense-mediated mRNA decay. As such, this alteration is interpreted as a disease-causing mutation.

Labcorp Genetics (formerly Invitae), Labcorp
Classification: Pathogenic for Hereditary breast ovarian cancer syndrome. Last evaluated: 2023-05-04. Review status: criteria provided, single submitter. Criteria: Invitae Variant Classification Sherloc (09022015). Collection method: clinical testing. Allele origin: germline. Not counted in ClinVar's aggregate classification.
Comment: This sequence change creates a premature translational stop signal (p.Trp2629*) in the BRCA2 gene. It is expected to result in an absent or disrupted protein product. Loss-of-function variants in BRCA2 are known to be pathogenic (PMID: 20104584). This variant is not present in population databases (gnomAD no frequency). This variant has not been reported in the literature in individuals affected with BRCA2-related conditions. ClinVar contains an entry for this variant (Variation ID: 52432). For these reasons, this variant has been classified as Pathogenic.

Department of Pathology and Laboratory Medicine, Sinai Health System
Classification: Pathogenic for BRCA2-related cancer predisposition. Last evaluated: 2020-01-13. Review status: criteria provided, single submitter. Criteria: ACMG Guidelines, 2015. Collection method: clinical testing. Allele origin: germline. Not counted in ClinVar's aggregate classification.

Genome Diagnostics Laboratory, University Medical Center Utrecht
Classification: Pathogenic for Breast-ovarian cancer, familial, susceptibility to, 2. Last evaluated: 2017-07-28. Review status: criteria provided, single submitter. Criteria: ACGS Guidelines, 2013. Collection method: clinical testing. Allele origin: germline. Affected: yes. Study: VKGL Data-share Consensus. Not counted in ClinVar's aggregate classification.

Breast Cancer Information Core (BIC) (BRCA2)
Classification: Pathogenic for Breast-ovarian cancer, familial 2. Last evaluated: 1999-12-30. Review status: no assertion criteria provided. Collection method: clinical testing. Allele origin: germline. Affected: yes. Observed: 1 variant allele. Not counted in ClinVar's aggregate classification.

Clinical Genetics Laboratory, Department of Pathology, Netherlands Cancer Institute
Classification: Pathogenic. Review status: no assertion criteria provided. Collection method: clinical testing. Allele origin: germline. Affected: yes. Study: VKGL Data-share Consensus. Not counted in ClinVar's aggregate classification.

Diagnostic Laboratory, Department of Genetics, University Medical Center Groningen
Classification: Pathogenic for Breast-ovarian cancer, familial, susceptibility to, 2. Review status: no assertion criteria provided. Collection method: clinical testing. Allele origin: germline. Affected: yes. Study: VKGL Data-share Consensus. Not counted in ClinVar's aggregate classification.

Literature cited by the submitters: PubMed 20104584 (cited by Labcorp Genetics (formerly Invitae), Labcorp).